The following is an entry in ClinVar:

NM_004304.5(ALK):c.4238dup (p.Arg1414fs)

Gene: ALK (ALK receptor tyrosine kinase; minus strand). Cytogenetic location: 2p23.2.
Variant type: Duplication.
Coding change: c.4238dup on transcript NM_004304.5 (MANE Select); coding-DNA position 4238, one base duplicated (T; older notation c.4238dupT).
Protein change: p.Arg1414fs; shifts the reading frame from arginine 1414.
Molecular consequence: frameshift variant.
Genome position (GRCh38, 1-based): chr2:29,193,849, A duplicated on the plus strand (T on the coding strand, the reverse complement: ALK is on the minus strand). VCF-style (leftmost placement, unchanged base first): chr2-29193848-C-CA. GRCh37 (hg19) VCF-style: chr2-29416714-C-CA.
Other names: c.4238dupT (NM_004304.4); c.1034dup, p.Arg346fs (NM_001353765.2); short protein forms R1414fs, R346fs.
Identifiers: ClinVar variation 470869 (VCV000470869.6), dbSNP rs1553387176, ClinGen allele CA658655640.
Genomic context (GRCh38, chr2:29,193,848, plus strand): 5'-CTCCCGTTTTGCCTGTTGAGAGACCAGGAGAGGAGGAACCCCCTCAGGGTCCTTGGGCCT[C>CA]ACAGGCACTTTCTCTTCCTCTTCCACAAGTGGACCATATTCTATCGGCAAAGCGGTGTTG-3'

ClinVar aggregate classification (germline): Uncertain significance (1 of 4 stars; one submission).

Conditions:
Neuroblastoma, susceptibility to, 3. Also called: ALK-Related Neuroblastic Tumor Susceptibility. Identifiers: Orphanet 635, MedGen C2751681, MONDO:0013083, OMIM 613014.

Submission:

Labcorp Genetics (formerly Invitae), Labcorp
Classification: Uncertain significance for Neuroblastoma, susceptibility to, 3. Last evaluated: 2021-06-11. Review status: criteria provided, single submitter. Criteria: Invitae Variant Classification Sherloc (09022015). Collection method: clinical testing. Allele origin: germline.
Comment: The current clinical and genetic evidence is not sufficient to establish whether loss-of-function variants in ALK cause disease. Therefore, this variant has been classified as a Variant of Uncertain Significance. This variant is not present in population databases (ExAC no frequency) and has not been reported in the literature in individuals with a ALK-related disease. This sequence change inserts 1 nucleotide in exon 29 of the ALK mRNA (c.4238dupT), causing a frameshift at codon 1414. This creates a premature translational stop signal in the last exon of the ALK mRNA (p.Arg1414Glufs*6). While this is not anticipated to result in nonsense mediated decay, it is expected to delete the last 202 amino acids of the ALK protein.